The following is an entry in ClinVar:

ClinVar aggregate classification (germline): Conflicting classifications of pathogenicity. Review status: criteria provided, conflicting classifications (1 of 4 stars). 8 submissions from 8 submitters: Uncertain significance (5); Likely benign (3). Last evaluated 2026-03-03.

Conditions:
Cardiovascular phenotype. Identifiers: MedGen CN230736.
Cardiomyopathy (CMYO). Also called: Cardiomyopathies. Identifiers: Orphanet 167848, MedGen C0878544, MONDO:0004994, HP:0001638. Inheritance: Various modes of inheritance.
Catecholaminergic polymorphic ventricular tachycardia 1. Also called: VENTRICULAR TACHYCARDIA, CATECHOLAMINERGIC POLYMORPHIC, 1, WITH OR WITHOUT ATRIAL DYSFUNCTION AND/OR DILATED CARDIOMYOPATHY; RYR2-Related Catecholaminergic Polymorphic Ventricular Tachycardia; VENTRICULAR TACHYCARDIA, STRESS-INDUCED POLYMORPHIC 1. Identifiers: Orphanet 3286, MedGen C1631597, MONDO:0011484, OMIM 604772.
Catecholaminergic polymorphic ventricular tachycardia (CVPT). Also called: Catecholamine-induced polymorphic ventricular tachycardia. Identifiers: Orphanet 3286, MedGen C5574922, MONDO:0017990.

Allele frequency attached by ClinVar (database versions not stated): ExAC 0.00002; TOPMed 0.00002; gnomAD 0.00003 and 0.00004; gnomAD exomes 0.00003.
gnomAD v4.1: 28 of 1,589,056 alleles (0.0018%); highest among the groups gnomAD compares: South Asian, 0.018%; no homozygotes.

Submissions (8):

GeneDx
Classification: Uncertain significance. Last evaluated: 2026-03-03. Review status: criteria provided, single submitter. Criteria: GeneDx Variant Classification Process June 2021. Collection method: clinical testing. Allele origin: germline.
Comment: In silico analysis suggests that this missense variant does not alter protein structure/function; Reported as an incidental finding in a cohort of individuals referred for whole exome sequencing; however, specific clinical information about the individual(s) harboring this variant was not provided (PMID: 28404607); This variant is associated with the following publications: (PMID: 28404607)

Labcorp Genetics (formerly Invitae), Labcorp
Classification: Likely benign for Catecholaminergic polymorphic ventricular tachycardia 1. Last evaluated: 2025-09-07. Review status: criteria provided, single submitter. Criteria: Invitae Variant Classification Sherloc (09022015). Collection method: clinical testing. Allele origin: germline.

CeGaT Center for Human Genetics Tuebingen
Classification: Likely benign. Last evaluated: 2025-03-01. Review status: criteria provided, single submitter. Criteria: CeGaT Center For Human Genetics Tuebingen Variant Classification Criteria Version 2. Collection method: clinical testing. Allele origin: germline. Affected: yes. Observed: 1 variant allele.
Comment: RYR2: BS1

All of Us Research Program, National Institutes of Health
Classification: Uncertain significance for Catecholaminergic polymorphic ventricular tachycardia. Last evaluated: 2024-07-20. Review status: criteria provided, single submitter. Criteria: ACMG Guidelines, 2015. Collection method: clinical testing. Allele origin: germline. Inheritance: Autosomal dominant inheritance. Observed: 6 variant alleles, 6 heterozygotes.
Comment: This missense variant replaces arginine with glutamine at codon 3570 of the RYR2 protein. Computational prediction suggests that this variant may not impact protein structure and function (internally defined REVEL score threshold <= 0.5, PMID: 27666373). To our knowledge, functional studies have not been reported for this variant. This variant has not been reported in individuals affected with cardiovascular disorders in the literature. This variant has been identified in 8/257418 chromosomes in the general population by the Genome Aggregation Database (gnomAD). The available evidence is insufficient to determine the role of this variant in disease conclusively. Therefore, this variant is classified as a Variant of Uncertain Significance.

This study involves interpretation of variants in research participants for the purpose of population health screening. Participant phenotype was not available at the time of variant classification. Additional details can be found in publication PMID: 35346344, PMCID: PMC8962531

Color Diagnostics, LLC DBA Color Health
Classification: Uncertain significance for Cardiomyopathy. Last evaluated: 2024-07-15. Review status: criteria provided, single submitter. Criteria: ACMG Guidelines, 2015. Collection method: clinical testing. Allele origin: germline.
Comment: This missense variant replaces arginine with glutamine at codon 3570 of the RYR2 protein. Computational prediction suggests that this variant may not impact protein structure and function (internally defined REVEL score threshold <= 0.5, PMID: 27666373). To our knowledge, functional studies have not been reported for this variant. This variant has not been reported in individuals affected with cardiovascular disorders in the literature. This variant has been identified in 8/257418 chromosomes in the general population by the Genome Aggregation Database (gnomAD). The available evidence is insufficient to determine the role of this variant in disease conclusively. Therefore, this variant is classified as a Variant of Uncertain Significance.

Blueprint Genetics
Classification: Likely benign. Last evaluated: 2024-07-09. Review status: criteria provided, single submitter. Criteria: ACMG Guidelines, 2015. Collection method: clinical testing. Allele origin: germline.

Ambry Genetics
Classification: Uncertain significance for Cardiovascular phenotype. Last evaluated: 2021-04-12. Review status: criteria provided, single submitter. Criteria: Ambry Variant Classification Scheme 2023. Collection method: clinical testing. Allele origin: germline.
Comment: The p.R3570Q variant (also known as c.10709G>A), located in coding exon 75 of the RYR2 gene, results from a G to A substitution at nucleotide position 10709. The arginine at codon 3570 is replaced by glutamine, an amino acid with highly similar properties. This variant has been detected in an exome sequencing cohort; however, details were limited (Landstrom AP et al. Circ Arrhythm Electrophysiol, 2017 Apr;10). This amino acid position is not well conserved in available vertebrate species, and glutamine is the reference amino acid in other vertebrate species. In addition, this alteration is predicted to be tolerated by in silico analysis. Since supporting evidence is limited at this time, the clinical significance of this alteration remains unclear.

CHEO Genetics Diagnostic Laboratory, Children's Hospital of Eastern Ontario
Classification: Uncertain significance for Cardiomyopathy. Last evaluated: 2018-07-31. Review status: criteria provided, single submitter. Criteria: ACMG Guidelines, 2015. Collection method: clinical testing. Allele origin: germline.

Literature cited by the submitters: PubMed 28404607 (cited by Ambry Genetics).

NM_001035.3(RYR2):c.10709G>A (p.Arg3570Gln)

Gene: RYR2 (ryanodine receptor 2; plus strand). Cytogenetic location: 1q43.
Variant type: single nucleotide variant.
Coding change: c.10709G>A on transcript NM_001035.3 (MANE Select); coding-DNA position 10709, G replaced by A.
Protein change: p.Arg3570Gln; replaces arginine 3570 with glutamine.
Molecular consequence: missense variant.
Genome position (GRCh38, 1-based): chr1:237,726,292, G>A. VCF-style: chr1-237726292-G-A. GRCh37 (hg19) VCF-style: chr1-237889592-G-A.
Other names: short protein forms R3570Q.
Identifiers: ClinVar variation 915533 (VCV000915533.24), dbSNP rs751520590, ClinGen allele CA084479.